The following is an entry in ClinVar:

GRCh37/hg19 10q11.23-22.1(chr10:51735638-70791246)x1

Genes: A1CF (APOBEC1 complementation factor; minus strand), ADO (2-aminoethanethiol dioxygenase; plus strand), AGAP6 (ArfGAP with GTPase domain, ankyrin repeat and PH domain 6; plus strand), ANK3 (ankyrin 3; minus strand), ARID5B (AT-rich interaction domain 5B; plus strand) and 48 more. Cytogenetic location: 10q11.23-22.1.
Variant type: copy number loss.
Change: copy number 1 (one copy instead of two) of chr10:51,735,638-70,791,246 (19.06 Mb, GRCh37 coordinates, 1-based), cytogenetic band 10q11.23-22.1.
Identifiers: ClinVar variation 2685375 (VCV002685375.1).

ClinVar aggregate classification (germline): Pathogenic (1 of 4 stars; one submission).

Submission:

Quest Diagnostics Nichols Institute San Juan Capistrano
Classification: Pathogenic. Last evaluated: 2023-04-14. Review status: criteria provided, single submitter. Criteria: ACMG/ClinGen CNV Guidelines, 2019. Collection method: clinical testing. Allele origin: unknown.
Comment: This copy number loss involves numerous protein-coding genes. Deletions that partially or completely overlap the current interval have been reported in individuals with a range of phenotypes (Fu 2021, Shimojima 2018, Rosenfeld 2010). Therefore, based on current medical literature and gene content, the 10q11.23q22.1 CNV is classified as pathogenic. References: Fu et al., BMC Pediatr. 2021 May 31;21(1):254. PMID: 34059004, Rosenfeld et al., Genet Med. 2010 Nov;12(11):694-702. PMID: 20808228, Shimojima et al., Congenit Anom (Kyoto). 2018 Jan;58(1):36-38. PMID: 28378413